The following is an entry in ClinVar:

ClinVar aggregate classification (germline): Benign. Review status: reviewed by expert panel (3 of 4 stars). 3 submissions from 3 submitters: Benign (1). 2 of the submissions do not count toward it. Last evaluated 2026-08-17.

Conditions:
Alexander disease (ALXDRD). Also called: Alexander's disease. Identifiers: Orphanet 58, MedGen C0270726, MONDO:0008752, OMIM 203450.

Allele frequency attached by ClinVar (database versions not stated): gnomAD exomes 0.00001 and 0.00002; ExAC 0.00002; gnomAD 0.00003; TOPMed 0.00003; ESP Exome Variant Server 0.00008.
gnomAD v4.1: 15 of 1,614,076 alleles (0.00093%); highest among the groups gnomAD compares: African/African-American, 0.019%; no homozygotes.

Submissions (3):

ClinGen Leukodystrophy and Leukoencephalopathy Variant Curation Expert Panel, ClinGen
Classification: Benign for Alexander disease. Last evaluated: 2026-08-17. Review status: reviewed by expert panel. Criteria: ClinGen Leuko ACMG Specifications GFAP V1.0. Collection method: curation. Allele origin: germline. Inheritance: Autosomal dominant inheritance.
Comment: The c.734T>C variant in GFAP is a missense variant predicted to cause substitution of methionine by threonine at amino acid 245 (p.Met245Thr). The Total GrpMax filtering allele frequency in gnomADv4.1.1 is 0.0001121 from the African/African-American genetic ancestry group (the lower threshold of the 95% CI of 14/74924 alleles), which is higher than the ClinGen Leukodystrophy and Leukoencephalopathy VCEP threshold (>0.0001) for BA1, and therefore meets this criterion (BA1). This variant has not been reported in any probands/families meeting phenotypic criteria for Alexander disease. There is no conflicting evidence for this variant. In summary, this variant meets the criteria to be classified as benign for Alexander disease based on the ACMG/AMP criteria applied, as specified by the ClinGen Leukodystrophy and Leukoencephalopathy Expert Panel: BA1 (ClinGen Leukodystrophy and Leukoencephalopathy VCEP Specifications Version 1.0.0).

Labcorp Genetics (formerly Invitae), Labcorp
Classification: Uncertain significance. Last evaluated: 2025-08-11. Review status: criteria provided, single submitter. Criteria: Invitae Variant Classification Sherloc (09022015). Collection method: clinical testing. Allele origin: germline. Not counted in ClinVar's aggregate classification.
Comment: This sequence change replaces methionine, which is neutral and non-polar, with threonine, which is neutral and polar, at codon 245 of the GFAP protein (p.Met245Thr). This variant is present in population databases (rs151327900, gnomAD 0.02%). This variant has not been reported in the literature in individuals affected with GFAP-related conditions. ClinVar contains an entry for this variant (Variation ID: 1510421). Invitae Evidence Modeling of protein sequence and biophysical properties (such as structural, functional, and spatial information, amino acid conservation, physicochemical variation, residue mobility, and thermodynamic stability) has been performed for this missense variant. However, the output from this modeling did not meet the statistical confidence thresholds required to predict the impact of this variant on GFAP protein function. In summary, the available evidence is currently insufficient to determine the role of this variant in disease. Therefore, it has been classified as a Variant of Uncertain Significance.

CeGaT Center for Human Genetics Tuebingen
Classification: Likely benign. Last evaluated: 2023-04-01. Review status: criteria provided, single submitter. Criteria: CeGaT Center For Human Genetics Tuebingen Variant Classification Criteria Version 2. Collection method: clinical testing. Allele origin: germline. Affected: yes. Observed: 1 variant allele. Not counted in ClinVar's aggregate classification.
Comment: GFAP: BS2

NM_002055.5(GFAP):c.734T>C (p.Met245Thr)

Gene: GFAP (glial fibrillary acidic protein; minus strand). Cytogenetic location: 17q21.31.
Variant type: single nucleotide variant.
Coding change: c.734T>C on transcript NM_002055.5 (MANE Select); coding-DNA position 734, T replaced by C.
Protein change: p.Met245Thr; replaces methionine 245 with threonine.
Molecular consequence: missense variant.
Genome position (GRCh38, 1-based): chr17:44,913,315, A>G on the plus strand (T>C on the coding strand, the complement: GFAP is on the minus strand). VCF-style: chr17-44913315-A-G. GRCh37 (hg19) VCF-style: chr17-42990683-A-G.
Other names: NM_002055.5(GFAP):c.734T>C; p.Met245Thr; c.734T>C, p.Met245Thr (NM_001131019.3, NM_001242376.3, NM_001363846.2); short protein forms M245T.
Identifiers: ClinVar variation 1510421 (VCV001510421.35), dbSNP rs151327900, ClinGen allele CA8608876.